The following is an entry in ClinVar:

NM_001370466.1(NOD2):c.1717G>A (p.Glu573Lys)

Gene: NOD2 (nucleotide binding oligomerization domain containing 2; plus strand). Cytogenetic location: 16q12.1.
Variant type: single nucleotide variant.
Coding change: c.1717G>A on transcript NM_001370466.1 (MANE Select); coding-DNA position 1717, G replaced by A.
Protein change: p.Glu573Lys; replaces glutamic acid 573 with lysine.
Molecular consequence: missense variant. On other transcripts: non-coding transcript variant (1).
Genome position (GRCh38, 1-based): chr16:50,711,709, G>A. VCF-style: chr16-50711709-G-A. GRCh37 (hg19) VCF-style: chr16-50745620-G-A.
Other names: c.1717G>A, p.Glu573Lys (NM_001293557.2); c.1798G>A, p.Glu600Lys (NM_022162.3); short protein forms E573K, E600K.
Identifiers: ClinVar variation 1453223 (VCV001453223.8), dbSNP rs1964520477, ClinGen allele CA395869684.

ClinVar aggregate classification (germline): Conflicting classifications of pathogenicity. Review status: criteria provided, conflicting classifications (1 of 4 stars). 2 submissions from 2 submitters: Pathogenic (1); Uncertain significance (1). Last evaluated 2025-12-10.

Conditions:
Inflammatory bowel disease 1 (IBD1). Also called: Inflammatory bowel disease 1, Crohn disease; INFLAMMATORY BOWEL DISEASE (CROHN DISEASE) 1. Identifiers: MedGen CN260071, MONDO:0009960, OMIM 266600.
Blau syndrome (BLAUS). Also called: GRANULOMATOSIS, FAMILIAL JUVENILE SYSTEMIC; GRANULOMATOSIS, FAMILIAL, BLAU TYPE; GRANULOMATOUS INFLAMMATORY ARTHRITIS, DERMATITIS, AND UVEITIS, FAMILIAL; JABS SYNDROME; ARTHROCUTANEOUVEAL GRANULOMATOSIS. Identifiers: Orphanet 90340, MedGen C5201146, MONDO:0008523, OMIM 186580.
Regional enteritis. Also called: Enteritis, Granulomatous. Identifiers: MedGen C0678202, MeSH D003424.

Submissions (2):

Labcorp Genetics (formerly Invitae), Labcorp
Classification: Pathogenic for Regional enteritis; Blau syndrome. Last evaluated: 2025-12-10. Review status: criteria provided, single submitter. Criteria: Invitae Variant Classification Sherloc (09022015). Collection method: clinical testing. Allele origin: germline.
Comment: This sequence change replaces glutamic acid, which is acidic and polar, with lysine, which is basic and polar, at codon 600 of the NOD2 protein (p.Glu600Lys). This variant is not present in population databases (gnomAD no frequency). This missense change has been observed in individuals with Blau syndrome (PMID: 22377804, 25416713; internal data). ClinVar contains an entry for this variant (Variation ID: 1453223). Invitae Evidence Modeling of protein sequence and biophysical properties (such as structural, functional, and spatial information, amino acid conservation, physicochemical variation, residue mobility, and thermodynamic stability) has been performed for this missense variant. However, the output from this modeling did not meet the statistical confidence thresholds required to predict the impact of this variant on NOD2 protein function. This variant disrupts the p.Glu600 amino acid residue in NOD2. Other variant(s) that disrupt this residue have been determined to be pathogenic (PMID: 26768519, 27419275). This suggests that this residue is clinically significant, and that variants that disrupt this residue are likely to be disease-causing. For these reasons, this variant has been classified as Pathogenic.

Genomic Medicine Center of Excellence, King Faisal Specialist Hospital and Research Centre
Classification: Uncertain significance for Inflammatory bowel disease 1. Last evaluated: 2024-03-29. Review status: criteria provided, single submitter. Criteria: ACMG Guidelines, 2015. Collection method: clinical testing. Allele origin: germline.

Literature cited by the submitters: PubMed 22377804 (cited by Labcorp Genetics (formerly Invitae), Labcorp); PubMed 25416713 (cited by Labcorp Genetics (formerly Invitae), Labcorp); PubMed 26768519 (cited by Labcorp Genetics (formerly Invitae), Labcorp); PubMed 27419275 (cited by Labcorp Genetics (formerly Invitae), Labcorp).